The following is an entry in ClinVar:

NM_001177701.3(IFT27):c.460G>A (p.Val154Met)

Genes: CACNG2-DT (CACNG2 divergent transcript; plus strand), IFT27 (intraflagellar transport 27; minus strand). Cytogenetic location: 22q12.3.
Variant type: single nucleotide variant.
Coding change: c.460G>A on transcript NM_001177701.3 (MANE Select); coding-DNA position 460, G replaced by A.
Protein change: p.Val154Met; replaces valine 154 with methionine.
Molecular consequence: missense variant.
Genome position (GRCh38, 1-based): chr22:36,762,906, C>T on the plus strand (G>A on the coding strand, the complement: IFT27 is on the minus strand). VCF-style: chr22-36762906-C-T. GRCh37 (hg19) VCF-style: chr22-37158950-C-T.
Other names: c.460G>A, p.Val154Met (NM_001363003.2); c.457G>A, p.Val153Met (NM_006860.5); short protein forms V153M, V154M.
Identifiers: ClinVar variation 857948 (VCV000857948.10), dbSNP rs780844069, ClinGen allele CA10212339.
Genomic context (GRCh38, chr22:36,762,906, plus strand): 5'-ACCGCTGCCAGCAGAGGCCCACTCCAGACTTGGCGACGAGGCAAGTGGAAATACTCACCA[C>T]GGATGTTTCAAAACATTCCAGGCCCTGGCCCAGCGCCCATGCCCGGGCCTCAGCTGAGTC-3'
Protein context (NP_001171172.1, residues 144-164): GQGLECFETS[Val154Met]KEMENFEAPF

ClinVar aggregate classification (germline): Uncertain significance. Review status: criteria provided, multiple submitters, no conflicts (2 of 4 stars). 2 submissions from 2 submitters: Uncertain significance (2). Last evaluated 2025-02-12.

Conditions:
IFT27-related disorder. Also called: IFT27-related condition.

Allele frequency attached by ClinVar (database versions not stated): gnomAD 0.00002 and 0.00003; gnomAD exomes 0.00002; ExAC 0.00003; TOPMed 0.00003.
gnomAD v4.1: 53 of 1,563,292 alleles (0.0034%); highest among the groups gnomAD compares: Non-Finnish European, 0.004%; no homozygotes.

Submissions (2):

PreventionGenetics, part of Exact Sciences
Classification: Uncertain significance for IFT27-related condition. Last evaluated: 2025-02-12. Review status: criteria provided, single submitter. Criteria: ACMG Guidelines, 2015. Collection method: clinical testing. Allele origin: germline.
Comment: The IFT27 c.457G>A variant is predicted to result in the amino acid substitution p.Val153Met. This variant has been reported in one obese individual; however, no evidence was provided to support its pathogenicity (Day et al. 2021. PubMed ID: 33616283). At this time, the clinical significance of this variant is uncertain due to the absence of conclusive functional and genetic evidence.

Labcorp Genetics (formerly Invitae), Labcorp
Classification: Uncertain significance. Last evaluated: 2024-10-15. Review status: criteria provided, single submitter. Criteria: Invitae Variant Classification Sherloc (09022015). Collection method: clinical testing. Allele origin: germline.
Comment: This sequence change replaces valine, which is neutral and non-polar, with methionine, which is neutral and non-polar, at codon 153 of the IFT27 protein (p.Val153Met). This variant is present in population databases (rs780844069, gnomAD 0.004%). This variant has not been reported in the literature in individuals affected with IFT27-related conditions. ClinVar contains an entry for this variant (Variation ID: 857948). An algorithm developed to predict the effect of missense changes on protein structure and function (PolyPhen-2) suggests that this variant is likely to be disruptive. In summary, the available evidence is currently insufficient to determine the role of this variant in disease. Therefore, it has been classified as a Variant of Uncertain Significance.